The following is an entry in ClinVar:

ClinVar aggregate classification (germline): Uncertain significance (1 of 4 stars; one submission).

Conditions:
Peutz-Jeghers syndrome (PJS). Also called: POLYPOSIS, HAMARTOMATOUS INTESTINAL; POLYPS-AND-SPOTS SYNDROME; Peutz-Jeghers polyposis; Periorificial lentiginosis syndrome. Identifiers: Orphanet 2869, MedGen C0031269, MeSH D010580, MONDO:0008280, OMIM 175200.

Submission:

Hema, HEMA – Genetic and Molecular Diagnostic Laboratory
Classification: Uncertain significance for Peutz-Jeghers syndrome. Last evaluated: 2026-09-10. Review status: criteria provided, single submitter. Criteria: HEMA Variant Classification Assertion Criteria. Collection method: clinical testing. Allele origin: germline.
Comment: The variant c.1057C>T p.(Leu353Phe) is a transition from cytosine to thymine, resulting in the substitution of leucine 353 by phenylalanine in the STK11 protein. BP4_Moderate: The score of the computational metapredictor REVEL is 0.13 (≤ 0.183), indicating that the variant would not have an effect on the STK11 protein. PM2_Supporting: Absent in the gnomAD v4.1.1 database.

NM_000455.5(STK11):c.1057C>T (p.Leu353Phe)

Genes: STK11 (serine/threonine kinase 11; plus strand), LOC130062899 (ATAC-STARR-seq lymphoblastoid active region 13597; plus strand). Cytogenetic location: 19p13.3.
Variant type: single nucleotide variant.
Coding change: c.1057C>T on transcript NM_000455.5 (MANE Select); coding-DNA position 1057, C replaced by T.
Protein change: p.Leu353Phe; replaces leucine 353 with phenylalanine.
Molecular consequence: missense variant. On other transcripts: non-coding transcript variant (1).
Genome position (GRCh38, 1-based): chr19:1,223,121, C>T. VCF-style: chr19-1223121-C-T. GRCh37 (hg19) VCF-style: chr19-1223120-C-T.
Other names: c.1057C>T, p.Leu353Phe (NM_001407255.1); short protein forms L353F.
Identifiers: ClinVar variation 5042613 (VCV005042613.1).
Genomic context (GRCh38, chr19:1,223,121, plus strand): 5'-CGCAGCATGACTGTGGTGCCGTACTTGGAGGACCTGCACGGCGCGGACGAGGACGAGGAC[C>T]TCTTCGACATCGAGGATGACATCATCTACACTCAGGACTTCACGGTGCCCGGTGAGTCTG-3'
Protein context (NP_000446.1, residues 343-363): DLHGADEDED[Leu353Phe]FDIEDDIIYT